The following is an entry in ClinVar:

ClinVar aggregate classification (germline): Uncertain significance. Review status: criteria provided, multiple submitters, no conflicts (2 of 4 stars). 2 submissions from 2 submitters: Uncertain significance (2). Last evaluated 2025-10-01.

Conditions:
Hereditary cancer-predisposing syndrome. Also called: Neoplastic Syndromes, Hereditary; Tumor predisposition; Hereditary Cancer Syndrome; Hereditary neoplastic syndrome. Identifiers: Orphanet 140162, MedGen C0027672, MeSH D009386, MONDO:0015356.
Neuroblastoma, susceptibility to, 3. Also called: ALK-Related Neuroblastic Tumor Susceptibility. Identifiers: Orphanet 635, MedGen C2751681, MONDO:0013083, OMIM 613014.

Submissions (2):

Ambry Genetics
Classification: Uncertain significance for Hereditary cancer-predisposing syndrome. Last evaluated: 2025-10-01. Review status: criteria provided, single submitter. Criteria: Ambry Variant Classification Scheme 2023. Collection method: clinical testing. Allele origin: germline.
Comment: The p.T1506A variant (also known as c.4516A>G), located in coding exon 29 of the ALK gene, results from an A to G substitution at nucleotide position 4516. The threonine at codon 1506 is replaced by alanine, an amino acid with similar properties. This amino acid position is conserved. In addition, the in silico prediction for this alteration is inconclusive. Based on the available evidence, the clinical significance of this variant remains unclear.

Labcorp Genetics (formerly Invitae), Labcorp
Classification: Uncertain significance for Neuroblastoma, susceptibility to, 3. Last evaluated: 2020-11-22. Review status: criteria provided, single submitter. Criteria: Invitae Variant Classification Sherloc (09022015). Collection method: clinical testing. Allele origin: germline.
Comment: In summary, the available evidence is currently insufficient to determine the role of this variant in disease. Therefore, it has been classified as a Variant of Uncertain Significance. Algorithms developed to predict the effect of missense changes on protein structure and function do not agree on the potential impact of this missense change (SIFT: "Deleterious"; PolyPhen-2: "Probably Damaging"; Align-GVGD: "Class C0"). This variant has not been reported in the literature in individuals with ALK-related disease. This variant is not present in population databases (ExAC no frequency). This sequence change replaces threonine with alanine at codon 1506 of the ALK protein (p.Thr1506Ala). The threonine residue is highly conserved and there is a small physicochemical difference between threonine and alanine.

NM_004304.5(ALK):c.4516A>G (p.Thr1506Ala)

Gene: ALK (ALK receptor tyrosine kinase; minus strand). Cytogenetic location: 2p23.2.
Variant type: single nucleotide variant.
Coding change: c.4516A>G on transcript NM_004304.5 (MANE Select); coding-DNA position 4516, A replaced by G.
Protein change: p.Thr1506Ala; replaces threonine 1506 with alanine.
Molecular consequence: missense variant.
Genome position (GRCh38, 1-based): chr2:29,193,571, T>C on the plus strand (A>G on the coding strand, the complement: ALK is on the minus strand). VCF-style: chr2-29193571-T-C. GRCh37 (hg19) VCF-style: chr2-29416437-T-C.
Other names: c.1312A>G, p.Thr438Ala (NM_001353765.2); short protein forms T1506A, T438A.
Identifiers: ClinVar variation 538272 (VCV000538272.9), dbSNP rs1553386991, ClinGen allele CA346461089.
Genomic context (GRCh38, chr2:29,193,571, plus strand): 5'-CCTTCTTTGCTATAGGATTATTCTTTTTGGTGGGTTTCTCTGTAAACCAGGAGCCGTACG[T>C]TGGGTTCCACAAGCTGGTGGGCTTGTTTCTGGATCCGTGGACCTTGTGCAACTCCGAAGG-3'
Protein context (NP_004295.2, residues 1496-1516): RNKPTSLWNP[Thr1506Ala]YGSWFTEKPT